The following is an entry in ClinVar:

NM_002519.3(NPAT):c.3470T>C (p.Leu1157Pro)

Gene: NPAT (nuclear protein, coactivator of histone transcription; minus strand). Cytogenetic location: 11q22.3.
Variant type: single nucleotide variant.
Coding change: c.3470T>C on transcript NM_002519.3 (MANE Select); coding-DNA position 3470, T replaced by C.
Protein change: p.Leu1157Pro; replaces leucine 1157 with proline.
Molecular consequence: missense variant.
Genome position (GRCh38, 1-based): chr11:108,161,616, A>G on the plus strand (T>C on the coding strand, the complement: NPAT is on the minus strand). VCF-style: chr11-108161616-A-G. GRCh37 (hg19) VCF-style: chr11-108032343-A-G.
Other names: c.3491T>C, p.Leu1164Pro (NM_001321307.1); short protein forms L1157P, L1164P.
Identifiers: ClinVar variation 3407169 (VCV003407169.1).
Genomic context (GRCh38, chr11:108,161,616, plus strand): 5'-CTTTCTACATCGCTGCATAATTCATTCTCCTTATTAGCTGTTGCTTTATGGAAAGATTCA[A>G]GCACAATTTCTGTTGGTGAAACTTTCTTTTCTGATTGAGTTTCTCTTATGGTGGTATGCC-3'
Protein context (NP_002510.2, residues 1147-1167): EKKVSPTEIV[Leu1157Pro]ESFHKATANK

ClinVar aggregate classification (germline): Uncertain significance (1 of 4 stars; one submission).

Submission:

Ambry Genetics
Classification: Uncertain significance. Last evaluated: 2024-07-05. Review status: criteria provided, single submitter. Criteria: Ambry Variant Classification Scheme 2023. Collection method: clinical testing. Allele origin: germline.
Comment: The p.L1157P variant (also known as c.3470T>C), located in coding exon 17 of the NPAT gene, results from a T to C substitution at nucleotide position 3470. The leucine at codon 1157 is replaced by proline, an amino acid with similar properties. This amino acid position is conserved. In addition, the in silico prediction for this alteration is inconclusive. Based on the available evidence, the clinical significance of this variant remains unclear.